The following is an entry in ClinVar:

ClinVar aggregate classification (germline): Likely benign. Review status: criteria provided, multiple submitters, no conflicts (2 of 4 stars). 2 submissions from 2 submitters: Likely benign (2). Last evaluated 2026-04-01.

gnomAD v4.1: 6,957 of 1,576,756 alleles (0.44%); highest among the groups gnomAD compares: Non-Finnish European, 0.47%; 23 homozygotes.

Submissions (2):

CeGaT Center for Human Genetics Tuebingen
Classification: Likely benign. Last evaluated: 2026-04-01. Review status: criteria provided, single submitter. Criteria: CeGaT Center For Human Genetics Tuebingen Variant Classification Criteria Version 2. Collection method: clinical testing. Allele origin: germline. Affected: yes. Observed: 6 variant alleles.
Comment: CDIN1: BP4, BS2

Blueprint Genetics
Classification: Likely benign. Last evaluated: 2024-11-27. Review status: criteria provided, single submitter. Criteria: ACMG Guidelines, 2015. Collection method: clinical testing. Allele origin: germline.

NM_001321759.2(CDIN1):c.611-25A>G

Gene: CDIN1 (CDAN1 interacting nuclease 1; plus strand). Cytogenetic location: 15q14.
Variant type: single nucleotide variant.
Coding change: c.611-25A>G on transcript NM_001321759.2 (MANE Select); 25 bases into the intron before coding-DNA position 611, A replaced by G.
Molecular consequence: intron variant.
Genome position (GRCh38, 1-based): chr15:36,709,831, A>G. VCF-style: chr15-36709831-A-G. GRCh37 (hg19) VCF-style: chr15-37002032-A-G.
Other names: c.611-25A>G (NM_001290233.2, NM_001130010.3); c.317-25A>G (NM_032499.6, NM_001290232.2, NM_001321756.2); c.242-25A>G (NM_001321757.2); c.611-7A>G (NM_001321761.2); c.610+543A>G (NM_001321760.2); c.500-25A>G (NM_001321758.2).
Identifiers: ClinVar variation 3387858 (VCV003387858.15).
Genomic context (GRCh38, chr15:36,709,831, plus strand): 5'-TGAAGCATAGAGAGGCCTGTACAGAGTTCAGAATTTTCAATCTTCCCCTCCCTTCTCCGT[A>G]TATTAGTAATGCTTTGTCCCTTAGCTGTAGAAGGGCACATAATTCACTGGATTGAAAGCA-3'